The following is an entry in ClinVar:

NM_152703.5(SAMD9L):c.553C>T (p.Pro185Ser)

Gene: SAMD9L (sterile alpha motif domain containing 9 like; minus strand). Cytogenetic location: 7q21.2.
Variant type: single nucleotide variant.
Coding change: c.553C>T on transcript NM_152703.5 (MANE Select); coding-DNA position 553, C replaced by T.
Protein change: p.Pro185Ser; replaces proline 185 with serine.
Molecular consequence: missense variant.
Genome position (GRCh38, 1-based): chr7:93,135,419, G>A on the plus strand (C>T on the coding strand, the complement: SAMD9L is on the minus strand). VCF-style: chr7-93135419-G-A. GRCh37 (hg19) VCF-style: chr7-92764732-G-A.
Other names: c.553C>T, p.Pro185Ser (NM_001303496.3, NM_001303497.3, NM_001303498.3 and 5 more transcripts); c.553C>T (NM_152703.2); short protein forms P185S.
Identifiers: ClinVar variation 2894729 (VCV002894729.4), dbSNP rs1305890015, ClinGen allele CA368202496.
Genomic context (GRCh38, chr7:93,135,419, plus strand): 5'-TGTTTGTGAGAGCTTTGAACTCATGTATTGGATCAATGAGATTGAGTGCTCCTGTTTCAG[G>A]TTGTAGAGTATAATGTTCTATGTAGCGATGGCTGTCATGGAACTGATCAAAAGGATATGG-3'
Protein context (NP_689916.2, residues 175-195): HRYIEHYTLQ[Pro185Ser]ETGALNLIDP

ClinVar aggregate classification (germline): Uncertain significance. Review status: criteria provided, multiple submitters, no conflicts (2 of 4 stars). 2 submissions from 2 submitters: Uncertain significance (2). Last evaluated 2025-07-14.

Conditions:
Inborn genetic diseases. Identifiers: MedGen C0950123, MeSH D030342.

Allele frequency attached by ClinVar (database versions not stated): gnomAD exomes 0.00001.
gnomAD v4.1: 3 of 1,614,128 alleles (0.00019%); highest among the groups gnomAD compares: East Asian, 0.0022%; no homozygotes.

Submissions (2):

Labcorp Genetics (formerly Invitae), Labcorp
Classification: Uncertain significance. Last evaluated: 2025-07-14. Review status: criteria provided, single submitter. Criteria: Invitae Variant Classification Sherloc (09022015). Collection method: clinical testing. Allele origin: germline.
Comment: This sequence change replaces proline, which is neutral and non-polar, with serine, which is neutral and polar, at codon 185 of the SAMD9L protein (p.Pro185Ser). This variant is not present in population databases (gnomAD no frequency). This variant has not been reported in the literature in individuals affected with SAMD9L-related conditions. ClinVar contains an entry for this variant (Variation ID: 2894729). An algorithm developed to predict the effect of missense changes on protein structure and function (PolyPhen-2) suggests that this variant is likely to be tolerated. In summary, the available evidence is currently insufficient to determine the role of this variant in disease. Therefore, it has been classified as a Variant of Uncertain Significance.

Ambry Genetics
Classification: Uncertain significance for Inborn genetic diseases. Last evaluated: 2025-06-30. Review status: criteria provided, single submitter. Criteria: Ambry Variant Classification Scheme 2023. Collection method: clinical testing. Allele origin: germline.
Comment: The p.P185S variant (also known as c.553C>T), located in coding exon 1 of the SAMD9L gene, results from a C to T substitution at nucleotide position 553. The proline at codon 185 is replaced by serine, an amino acid with similar properties. This amino acid position is conserved. In addition, this alteration is predicted to be tolerated by in silico analysis. Based on the available evidence, the clinical significance of this variant remains unclear.